The following is an entry in ClinVar:

NM_001161352.2(KCNMA1):c.2026del (p.Tyr676fs)

Gene: KCNMA1 (potassium calcium-activated channel subfamily M alpha 1; minus strand). Cytogenetic location: 10q22.3.
Variant type: Deletion.
Coding change: c.2026del on transcript NM_001161352.2 (MANE Select); coding-DNA position 2026, one base deleted (T; older notation c.2026delT).
Protein change: p.Tyr676fs; shifts the reading frame from tyrosine 676.
Molecular consequence: frameshift variant.
Genome position (GRCh38, 1-based): chr10:77,012,033, A deleted on the plus strand (T on the coding strand, the reverse complement: KCNMA1 is on the minus strand); the first of 7 consecutive A bases (chr10:77,012,033-77,012,039); deleting any one gives the same sequence. VCF-style (leftmost placement, unchanged base first): chr10-77012032-TA-T. GRCh37 (hg19) VCF-style: chr10-78771790-TA-T.
Other names: c.2038del, p.Tyr680fs (NM_001014797.3, NM_001322830.2, NM_001322835.2 and 1 more transcripts); c.2026del, p.Tyr676fs (NM_001161353.2, NM_001271519.2, NM_001322829.2 and 5 more transcripts); c.1876del, p.Tyr626fs (NM_001271518.2); c.1486del, p.Tyr496fs (NM_001322838.2); c.2158del, p.Tyr720fs (NM_001437422.1); short protein forms Y496fs, Y626fs, Y676fs, Y680fs, Y720fs.
Identifiers: ClinVar variation 4813806 (VCV004813806.1).
Genomic context (GRCh38, chr10:77,012,032, plus strand): 5'-TTGCAGCCACATTTTTTTATTCTTTTGGGATCTGTGATGTCATCATGACAGGCCTTGCAG[TA>T]AAAAAATGCCCTGGAGAAAGAGAATGGAAAAACTGACACGTTTCATAATCCACCCAAATG-3'

ClinVar aggregate classification (germline): Likely pathogenic (1 of 4 stars; one submission).

Conditions:
Autosomal dominant KCNMA1-related disorders.

Submission:

Variantyx, Inc.
Classification: Likely pathogenic for Autosomal dominant KCNMA1-related disorders. Last evaluated: 2025-05-27. Review status: criteria provided, single submitter. Criteria: Variantyx Assertion Criteria 2022. Collection method: clinical testing. Allele origin: germline. Inheritance: Autosomal dominant inheritance. Affected: yes.
Comment: This is a frameshift variant in the KCNMA1 gene (OMIM: 600150). Pathogenic variants in this gene have been associated with autosomal dominant KCNMA1-related disorders. This variant introduces a premature termination codon in exon 18 out of 28 and is expected to result in loss of function, which is a known disease mechanism for KCNMA1 in these disorders (PMID: 31152168, 34224328) (PVS1). This variant is absent from control populations (PM2). Based on the current evidence, this variant is classified as likely pathogenic for autosomal dominant KCNMA1-related disorders.

Literature cited by the submitters: PubMed 31152168; PubMed 34224328.